The following is an entry in ClinVar:

ClinVar aggregate classification (germline): Likely benign (1 of 4 stars; one submission).

Allele frequency attached by ClinVar (database versions not stated): 1000 Genomes Project 30x 0.00265; 1000 Genomes Project 0.00319; TOPMed 0.00364; gnomAD 0.00420; ESP Exome Variant Server 0.00554.

Submission:

CeGaT Center for Human Genetics Tuebingen
Classification: Likely benign. Last evaluated: 2022-11-01. Review status: criteria provided, single submitter. Criteria: CeGaT Center For Human Genetics Tuebingen Variant Classification Criteria Version 2. Collection method: clinical testing. Allele origin: germline. Affected: yes. Observed: 1 variant allele.
Comment: CENPB: BP4, BP7, BS2

NM_001810.6(CENPB):c.1476C>G (p.Ala492=)

Gene: CENPB (centromere protein B; minus strand). Cytogenetic location: 20p13.
Variant type: single nucleotide variant.
Coding change: c.1476C>G on transcript NM_001810.6 (MANE Select); coding-DNA position 1476, C replaced by G.
Protein change: p.Ala492=; no amino-acid change (alanine 492 retained).
Molecular consequence: synonymous variant.
Genome position (GRCh38, 1-based): chr20:3,785,008, G>C on the plus strand (C>G on the coding strand, the complement: CENPB is on the minus strand). VCF-style: chr20-3785008-G-C. GRCh37 (hg19) VCF-style: chr20-3765655-G-C.
Identifiers: ClinVar variation 2652189 (VCV002652189.24), dbSNP rs149525468, ClinGen allele CA9748761.